The following is an entry in ClinVar:

ClinVar aggregate classification (germline): Uncertain significance (1 of 4 stars; one submission).

Conditions:
Marinesco-Sjögren syndrome (MSS). Also called: Marinesco-SjÃ¶gren syndrome; Marinesco-Sjogren Syndrome. Identifiers: Orphanet 559, MedGen C0024814, MONDO:0009567, OMIM 248800.

Submission:

Labcorp Genetics (formerly Invitae), Labcorp
Classification: Uncertain significance for Marinesco-Sjögren syndrome. Last evaluated: 2022-07-13. Review status: criteria provided, single submitter. Criteria: Invitae Variant Classification Sherloc (09022015). Collection method: clinical testing. Allele origin: germline.
Comment: In summary, the available evidence is currently insufficient to determine the role of this variant in disease. Therefore, it has been classified as a Variant of Uncertain Significance. Algorithms developed to predict the effect of missense changes on protein structure and function output the following: SIFT: "Tolerated"; PolyPhen-2: "Benign"; Align-GVGD: "Class C0". The leucine amino acid residue is found in multiple mammalian species, which suggests that this missense change does not adversely affect protein function. This variant has not been reported in the literature in individuals affected with SIL1-related conditions. This variant is present in population databases (no rsID available, gnomAD 0.002%). This sequence change replaces methionine, which is neutral and non-polar, with leucine, which is neutral and non-polar, at codon 16 of the SIL1 protein (p.Met16Leu).

NM_022464.5(SIL1):c.46A>C (p.Met16Leu)

Gene: SIL1 (SIL1 nucleotide exchange factor; minus strand). Cytogenetic location: 5q31.2.
Variant type: single nucleotide variant.
Coding change: c.46A>C on transcript NM_022464.5 (MANE Select); coding-DNA position 46, A replaced by C.
Protein change: p.Met16Leu; replaces methionine 16 with leucine.
Molecular consequence: missense variant.
Genome position (GRCh38, 1-based): chr5:139,127,798, T>G on the plus strand (A>C on the coding strand, the complement: SIL1 is on the minus strand). VCF-style: chr5-139127798-T-G. GRCh37 (hg19) VCF-style: chr5-138463487-T-G.
Other names: c.46A>C, p.Met16Leu (NM_001037633.2); short protein forms M16L.
Identifiers: ClinVar variation 2187739 (VCV002187739.2), dbSNP rs1191304847, ClinGen allele CA361476840.